The following is an entry in ClinVar:

NM_182916.3(TRNT1):c.320A>G (p.Lys107Arg)

Gene: TRNT1 (tRNA nucleotidyl transferase 1; plus strand). Cytogenetic location: 3p26.2.
Variant type: single nucleotide variant.
Coding change: c.320A>G on transcript NM_182916.3 (MANE Select); coding-DNA position 320, A replaced by G.
Protein change: p.Lys107Arg; replaces lysine 107 with arginine.
Molecular consequence: missense variant. On other transcripts: non-coding transcript variant (8).
Genome position (GRCh38, 1-based): chr3:3,137,431, A>G. VCF-style: chr3-3137431-A-G. GRCh37 (hg19) VCF-style: chr3-3179115-A-G.
Other names: c.320A>G, p.Lys107Arg (NM_001302946.2, NM_001367321.1, NM_001367322.1 and 1 more transcripts); short protein forms K107R.
Identifiers: ClinVar variation 864630 (VCV000864630.5), dbSNP rs764696586, ClinGen allele CA2228597.

ClinVar aggregate classification (germline): Uncertain significance (1 of 4 stars; one submission).

Conditions:
Congenital sideroblastic anemia-B-cell immunodeficiency-periodic fever-developmental delay syndrome. Also called: Sideroblastic anemia with B-cell immunodeficiency, periodic fevers, and developmental delay. Identifiers: Orphanet 369861, MedGen C4015172, MONDO:0014487, OMIM 616084.

Allele frequency attached by ClinVar (database versions not stated): gnomAD 0.00001; gnomAD exomes 0.00003 and 0.00006; ExAC 0.00004; TOPMed 0.00005.
gnomAD v4.1: 42 of 1,611,162 alleles (0.0026%); highest among the groups gnomAD compares: Admixed American, 0.027%; no homozygotes.

Submission:

Labcorp Genetics (formerly Invitae), Labcorp
Classification: Uncertain significance for Congenital sideroblastic anemia-B-cell immunodeficiency-periodic fever-developmental delay syndrome. Last evaluated: 2025-01-13. Review status: criteria provided, single submitter. Criteria: Invitae Variant Classification Sherloc (09022015). Collection method: clinical testing. Allele origin: germline.
Comment: This sequence change replaces lysine, which is basic and polar, with arginine, which is basic and polar, at codon 107 of the TRNT1 protein (p.Lys107Arg). This variant is present in population databases (rs764696586, gnomAD 0.03%). This variant has not been reported in the literature in individuals affected with TRNT1-related conditions. ClinVar contains an entry for this variant (Variation ID: 864630). Invitae Evidence Modeling of protein sequence and biophysical properties (such as structural, functional, and spatial information, amino acid conservation, physicochemical variation, residue mobility, and thermodynamic stability) indicates that this missense variant is not expected to disrupt TRNT1 protein function with a negative predictive value of 80%. In summary, the available evidence is currently insufficient to determine the role of this variant in disease. Therefore, it has been classified as a Variant of Uncertain Significance.